The following is an entry in ClinVar:

ClinVar aggregate classification (germline): Uncertain significance (1 of 4 stars; one submission).

Conditions:
Genitopatellar syndrome (GTPTS). Also called: Genitopatellar syndrome (GPS); ABSENT PATELLAE, SCROTAL HYPOPLASIA, RENAL ANOMALIES, FACIAL DYSMORPHISM, AND MENTAL RETARDATION. Identifiers: Orphanet 85201, MedGen C1853566, MONDO:0011640, OMIM 606170.

Allele frequency attached by ClinVar (database versions not stated): gnomAD exomes below 0.00001.
gnomAD v4.1: 1 of 1,613,836 alleles (0.000062%); highest among the groups gnomAD compares: Non-Finnish European, 0.000085%; no homozygotes.

Submission:

Labcorp Genetics (formerly Invitae), Labcorp
Classification: Uncertain significance for Genitopatellar syndrome. Last evaluated: 2021-09-09. Review status: criteria provided, single submitter. Criteria: Invitae Variant Classification Sherloc (09022015). Collection method: clinical testing. Allele origin: germline.
Comment: This sequence change replaces glycine with glutamic acid at codon 177 of the KAT6B protein (p.Gly177Glu). The glycine residue is moderately conserved and there is a moderate physicochemical difference between glycine and glutamic acid. This variant is not present in population databases (ExAC no frequency). In summary, the available evidence is currently insufficient to determine the role of this variant in disease. Therefore, it has been classified as a Variant of Uncertain Significance. Algorithms developed to predict the effect of missense changes on protein structure and function are either unavailable or do not agree on the potential impact of this missense change (SIFT: "Deleterious"; PolyPhen-2: "Probably Damaging"; Align-GVGD: "Class C0"). This variant has not been reported in the literature in individuals affected with KAT6B-related conditions.

NM_012330.4(KAT6B):c.530G>A (p.Gly177Glu)

Gene: KAT6B (lysine acetyltransferase 6B; plus strand). Cytogenetic location: 10q22.2.
Variant type: single nucleotide variant.
Coding change: c.530G>A on transcript NM_012330.4 (MANE Select); coding-DNA position 530, G replaced by A.
Protein change: p.Gly177Glu; replaces glycine 177 with glutamic acid.
Molecular consequence: missense variant. On other transcripts: 5 prime UTR variant (2).
Genome position (GRCh38, 1-based): chr10:74,843,387, G>A. VCF-style: chr10-74843387-G-A. GRCh37 (hg19) VCF-style: chr10-76603145-G-A.
Other names: c.530G>A, p.Gly177Glu (NM_001256468.2, NM_001256469.2, NM_001370132.1 and 10 more transcripts); c.-9G>A (NM_001370134.1, NM_001370135.1); short protein forms G177E.
Identifiers: ClinVar variation 1393568 (VCV001393568.7), dbSNP rs2132075192, ClinGen allele CA377400239.